The following is an entry in ClinVar:

ClinVar aggregate classification (germline): Uncertain significance (1 of 4 stars; one submission).

Allele frequency attached by ClinVar (database versions not stated): TOPMed 0.00001.
gnomAD v4.1: 9 of 1,608,848 alleles (0.00056%); highest among the groups gnomAD compares: East Asian, 0.018%; no homozygotes.

Submission:

Labcorp Genetics (formerly Invitae), Labcorp
Classification: Uncertain significance. Last evaluated: 2024-12-02. Review status: criteria provided, single submitter. Criteria: Invitae Variant Classification Sherloc (09022015). Collection method: clinical testing. Allele origin: germline.
Comment: This sequence change replaces alanine, which is neutral and non-polar, with valine, which is neutral and non-polar, at codon 937 of the MPDZ protein (p.Ala937Val). The frequency data for this variant in the population databases is considered unreliable, as metrics indicate poor data quality at this position in the gnomAD database. This variant has not been reported in the literature in individuals affected with MPDZ-related conditions. ClinVar contains an entry for this variant (Variation ID: 1384178). An algorithm developed to predict the effect of missense changes on protein structure and function outputs the following: PolyPhen-2: "Benign". The valine amino acid residue is found in multiple mammalian species, which suggests that this missense change does not adversely affect protein function. In summary, the available evidence is currently insufficient to determine the role of this variant in disease. Therefore, it has been classified as a Variant of Uncertain Significance.

NM_001378778.1(MPDZ):c.2810C>T (p.Ala937Val)

Gene: MPDZ (multiple PDZ domain crumbs cell polarity complex component; minus strand). Cytogenetic location: 9p23.
Variant type: single nucleotide variant.
Coding change: c.2810C>T on transcript NM_001378778.1 (MANE Select); coding-DNA position 2810, C replaced by T.
Protein change: p.Ala937Val; replaces alanine 937 with valine.
Molecular consequence: missense variant.
Genome position (GRCh38, 1-based): chr9:13,176,257, G>A on the plus strand (C>T on the coding strand, the complement: MPDZ is on the minus strand). VCF-style: chr9-13176257-G-A. GRCh37 (hg19) VCF-style: chr9-13176256-G-A.
Other names: c.2810C>T, p.Ala937Val (NM_001261406.2, NM_001261407.2, NM_001330637.2 and 14 more transcripts); short protein forms A937V.
Identifiers: ClinVar variation 1384178 (VCV001384178.6), dbSNP rs1224964579, ClinGen allele CA372935189.